The following is an entry in ClinVar:

ClinVar aggregate classification (germline): Conflicting classifications of pathogenicity. Review status: criteria provided, conflicting classifications (1 of 4 stars). 2 submissions from 2 submitters: Uncertain significance (1); Likely benign (1). Last evaluated 2026-07-07.

Conditions:
Hereditary cancer-predisposing syndrome. Also called: Hereditary Cancer Syndrome; Neoplastic Syndromes, Hereditary; Hereditary neoplastic syndrome; Tumor predisposition. Identifiers: Orphanet 140162, MedGen C0027672, MeSH D009386, MONDO:0015356.
Hereditary diffuse gastric adenocarcinoma (HDGC). Also called: DIFFUSE GASTRIC AND LOBULAR BREAST CANCER SYNDROME. Identifiers: Orphanet 26106, MedGen C1708349, MONDO:0007648, OMIM 137215.

Submissions (2):

Ambry Genetics
Classification: Likely benign for Hereditary cancer-predisposing syndrome. Last evaluated: 2026-07-07. Review status: criteria provided, single submitter. Criteria: Ambry Variant Classification Scheme 2023. Collection method: clinical testing. Allele origin: germline.

Labcorp Genetics (formerly Invitae), Labcorp
Classification: Uncertain significance for Hereditary diffuse gastric adenocarcinoma. Last evaluated: 2021-05-04. Review status: criteria provided, single submitter. Criteria: Invitae Variant Classification Sherloc (09022015). Collection method: clinical testing. Allele origin: germline.
Comment: This variant has not been reported in the literature in individuals with CDH1-related conditions. Algorithms developed to predict the effect of missense changes on protein structure and function (SIFT, PolyPhen-2, Align-GVGD) all suggest that this variant is likely to be tolerated, but these predictions have not been confirmed by published functional studies and their clinical significance is uncertain. In summary, the available evidence is currently insufficient to determine the role of this variant in disease. Therefore, it has been classified as a Variant of Uncertain Significance. This sequence change replaces valine with leucine at codon 460 of the CDH1 protein (p.Val460Leu). The valine residue is weakly conserved and there is a small physicochemical difference between valine and leucine. This variant is not present in population databases (ExAC no frequency).

NM_004360.5(CDH1):c.1378G>C (p.Val460Leu)

Gene: CDH1 (cadherin 1; plus strand). Cytogenetic location: 16q22.1.
Variant type: single nucleotide variant.
Coding change: c.1378G>C on transcript NM_004360.5 (MANE Select); coding-DNA position 1378, G replaced by C.
Protein change: p.Val460Leu; replaces valine 460 with leucine.
Molecular consequence: missense variant. On other transcripts: 5 prime UTR variant (2).
Genome position (GRCh38, 1-based): chr16:68,815,572, G>C. VCF-style: chr16-68815572-G-C. GRCh37 (hg19) VCF-style: chr16-68849475-G-C.
Other names: c.1378G>C (NM_004360.3); c.1195G>C, p.Val399Leu (NM_001317184.2); c.-171G>C (NM_001317185.2); c.-442G>C (NM_001317186.2); short protein forms V399L, V460L.
Identifiers: ClinVar variation 1393062 (VCV001393062.10), dbSNP rs2152134785, ClinGen allele CA396462835.